The following is an entry in ClinVar:

ClinVar aggregate classification (germline): Uncertain significance. Review status: criteria provided, multiple submitters, no conflicts (2 of 4 stars). 2 submissions from 2 submitters: Uncertain significance (2). Last evaluated 2024-08-11.

Conditions:
Inborn genetic diseases. Identifiers: MedGen C0950123, MeSH D030342.
Amyotrophic lateral sclerosis type 21. Also called: VOCAL CORD AND PHARYNGEAL DYSFUNCTION WITH DISTAL MYOPATHY; MYOPATHY, DISTAL, 2. Identifiers: Orphanet 600, Orphanet 803, MedGen C3807521, MONDO:0011632, OMIM 606070.

Allele frequency attached by ClinVar (database versions not stated): gnomAD exomes below 0.00001; ExAC 0.00001; gnomAD 0.00002; TOPMed 0.00002.
gnomAD v4.1: 6 of 1,613,938 alleles (0.00037%); highest among the groups gnomAD compares: African/African-American, 0.008%; no homozygotes.

Submissions (2):

Labcorp Genetics (formerly Invitae), Labcorp
Classification: Uncertain significance for Amyotrophic lateral sclerosis type 21. Last evaluated: 2024-08-11. Review status: criteria provided, single submitter. Criteria: Invitae Variant Classification Sherloc (09022015). Collection method: clinical testing. Allele origin: germline.
Comment: This sequence change replaces threonine, which is neutral and polar, with alanine, which is neutral and non-polar, at codon 456 of the MATR3 protein (p.Thr456Ala). This variant is present in population databases (rs748098389, gnomAD 0.01%). This variant has not been reported in the literature in individuals affected with MATR3-related conditions. ClinVar contains an entry for this variant (Variation ID: 1494330). Advanced modeling of protein sequence and biophysical properties (such as structural, functional, and spatial information, amino acid conservation, physicochemical variation, residue mobility, and thermodynamic stability) performed at Invitae indicates that this missense variant is not expected to disrupt MATR3 protein function with a negative predictive value of 80%. In summary, the available evidence is currently insufficient to determine the role of this variant in disease. Therefore, it has been classified as a Variant of Uncertain Significance.

Ambry Genetics
Classification: Uncertain significance for Inborn genetic diseases. Last evaluated: 2024-01-29. Review status: criteria provided, single submitter. Criteria: Ambry Variant Classification Scheme 2023. Collection method: clinical testing. Allele origin: germline.

NM_018834.6(MATR3):c.1366A>G (p.Thr456Ala)

Gene: MATR3 (matrin 3; plus strand). Cytogenetic location: 5q31.2.
Variant type: single nucleotide variant.
Coding change: c.1366A>G on transcript NM_018834.6 (MANE Select); coding-DNA position 1366, A replaced by G.
Protein change: p.Thr456Ala; replaces threonine 456 with alanine.
Molecular consequence: missense variant.
Genome position (GRCh38, 1-based): chr5:139,318,965, A>G. VCF-style: chr5-139318965-A-G. GRCh37 (hg19) VCF-style: chr5-138654654-A-G.
Other names: c.1366A>G, p.Thr456Ala (NM_001194954.2, NM_001194955.2, NM_199189.3); c.502A>G, p.Thr168Ala (NM_001194956.2); c.352A>G, p.Thr118Ala (NM_001282278.2); c.1366A>G (NM_199189.2); short protein forms T118A, T456A, T168A.
Identifiers: ClinVar variation 1494330 (VCV001494330.7), dbSNP rs748098389, ClinGen allele CA3433133.